The following is an entry in ClinVar:

NM_006379.5(SEMA3C):c.178G>C (p.Asp60His)

Gene: SEMA3C (semaphorin 3C; minus strand). Cytogenetic location: 7q21.11.
Variant type: single nucleotide variant.
Coding change: c.178G>C on transcript NM_006379.5 (MANE Select); coding-DNA position 178, G replaced by C.
Protein change: p.Asp60His; replaces aspartic acid 60 with histidine.
Molecular consequence: missense variant.
Genome position (GRCh38, 1-based): chr7:80,828,671, C>G on the plus strand (G>C on the coding strand, the complement: SEMA3C is on the minus strand). VCF-style: chr7-80828671-C-G. GRCh37 (hg19) VCF-style: chr7-80457987-C-G.
Other names: c.232G>C, p.Asp78His (NM_001350120.2); c.4G>C, p.Asp2His (NM_001350121.2); short protein forms D2H, D60H, D78H.
Identifiers: ClinVar variation 4998907 (VCV004998907.1).

ClinVar aggregate classification (germline): Uncertain significance (1 of 4 stars; one submission).

Conditions:
SEMA3C-related disorder. Also called: SEMA3C-related condition.

Submission:

PreventionGenetics, part of Exact Sciences
Classification: Uncertain significance for SEMA3C-related condition. Last evaluated: 2025-06-19. Review status: criteria provided, single submitter. Criteria: ACMG Guidelines, 2015. Collection method: clinical testing. Allele origin: germline.
Comment: The SEMA3C c.232G>C variant is predicted to result in the amino acid substitution p.Asp78His. To our knowledge, this variant has not been reported in the literature or in a large population database (gnomAD), indicating this variant is rare. At this time, the clinical significance of this variant is uncertain due to the absence of conclusive functional and genetic evidence.